The following is an entry in ClinVar:

ClinVar aggregate classification (germline): Uncertain significance (1 of 4 stars; one submission).

Conditions:
Inborn genetic diseases. Identifiers: MedGen C0950123, MeSH D030342.

Submission:

Ambry Genetics
Classification: Uncertain significance for Inborn genetic diseases. Last evaluated: 2025-08-04. Review status: criteria provided, single submitter. Criteria: Ambry Variant Classification Scheme 2023. Collection method: clinical testing. Allele origin: germline.
Comment: The p.M267I variant (also known as c.801G>T), located in coding exon 7 of the PAX5 gene, results from a G to T substitution at nucleotide position 801. The methionine at codon 267 is replaced by isoleucine, an amino acid with highly similar properties. This amino acid position is conserved. In addition, this alteration is predicted to be deleterious by in silico analysis. Based on the available evidence, the clinical significance of this variant remains unclear.

NM_016734.3(PAX5):c.801G>T (p.Met267Ile)

Gene: PAX5 (paired box 5; minus strand). Cytogenetic location: 9p13.2.
Variant type: single nucleotide variant.
Coding change: c.801G>T on transcript NM_016734.3 (MANE Select); coding-DNA position 801, G replaced by T.
Protein change: p.Met267Ile; replaces methionine 267 with isoleucine.
Molecular consequence: missense variant. On other transcripts: intron variant (2).
Genome position (GRCh38, 1-based): chr9:36,923,464, C>A on the plus strand (G>T on the coding strand, the complement: PAX5 is on the minus strand). VCF-style: chr9-36923464-C-A. GRCh37 (hg19) VCF-style: chr9-36923461-C-A.
Other names: c.801G>T, p.Met267Ile (NM_001280547.2, NM_001280548.2, NM_001280552.2); c.477G>T, p.Met159Ile (NM_001280551.2, NM_001280556.2); c.672G>T, p.Met224Ile (NM_001280553.2, NM_001280554.2); c.603G>T, p.Met201Ile (NM_001280555.2); c.780+43085G>T (NM_001280550.2, NM_001280549.2); short protein forms M267I, M224I, M159I, M201I.
Identifiers: ClinVar variation 4131423 (VCV004131423.1).